The following is an entry in ClinVar:

NM_198880.3(QRICH1):c.2229G>C (p.Gln743His)

Gene: QRICH1 (glutamine rich 1; minus strand). Cytogenetic location: 3p21.31.
Variant type: single nucleotide variant.
Coding change: c.2229G>C on transcript NM_198880.3 (MANE Select); coding-DNA position 2229, G replaced by C.
Protein change: p.Gln743His; replaces glutamine 743 with histidine.
Molecular consequence: missense variant.
Genome position (GRCh38, 1-based): chr3:49,030,554, C>G on the plus strand (G>C on the coding strand, the complement: QRICH1 is on the minus strand). VCF-style: chr3-49030554-C-G. GRCh37 (hg19) VCF-style: chr3-49067987-C-G.
Other names: c.2229G>C, p.Gln743His (NM_001320580.2, NM_001320581.2, NM_001320582.2 and 4 more transcripts); short protein forms Q743H.
Identifiers: ClinVar variation 2630861 (VCV002630861.1), dbSNP rs776378682, ClinGen allele CA2390955.

ClinVar aggregate classification (germline): Uncertain significance (1 of 4 stars; one submission).

Conditions:
QRICH1-related disorder. Also called: QRICH1-related condition.

Allele frequency attached by ClinVar (database versions not stated): ExAC 0.00001.
gnomAD v4.1: 2 of 1,613,960 alleles (0.00012%); no homozygotes.

Submission:

PreventionGenetics, part of Exact Sciences
Classification: Uncertain significance for QRICH1-related condition. Last evaluated: 2023-10-11. Review status: criteria provided, single submitter. Criteria: ACMG Guidelines, 2015. Collection method: clinical testing. Allele origin: germline.
Comment: The QRICH1 c.2229G>C variant is predicted to result in the amino acid substitution p.Gln743His. To our knowledge, this variant has not been reported in the literature. This variant is reported in 0.0046% of alleles in individuals of European (Finnish) descent in gnomAD. At this time, the clinical significance of this variant is uncertain due to the absence of conclusive functional and genetic evidence.